The following is an entry in ClinVar:

ClinVar aggregate classification (germline): Pathogenic (1 of 4 stars; one submission).

Conditions:
Nephronophthisis. Also called: Juvenile Nephronophthisis. Identifiers: Orphanet 655, MedGen C0687120, MONDO:0019005, HP:0000090.

Submission:

Labcorp Genetics (formerly Invitae), Labcorp
Classification: Pathogenic for Nephronophthisis. Last evaluated: 2021-10-09. Review status: criteria provided, single submitter. Criteria: Invitae Variant Classification Sherloc (09022015). Collection method: clinical testing. Allele origin: germline.
Comment: A gross deletion of the genomic region encompassing the full coding sequence of the NPHP3 gene has been identified. Loss-of-function variants in NPHP3 are known to be pathogenic (PMID: 18371931, 23559409). The boundaries of this event are unknown as they extend beyond the assayed region for this gene and therefore may encompass additional genes. This variant has not been reported in the literature in individuals affected with NPHP3-related conditions. For these reasons, this variant has been classified as Pathogenic.

Literature cited by the submitters: PubMed 18371931; PubMed 23559409.

NC_000003.11:g.(?_132379382)_(133191429_?)del

Genes: UBA5 (ubiquitin like modifier activating enzyme 5; plus strand), BFSP2 (beaded filament structural protein 2; plus strand), NPHP3 (nephrocystin 3; minus strand), TMEM108 (transmembrane protein 108; plus strand). Cytogenetic location: 3q22.1.
Variant type: Deletion.
Identifiers: ClinVar variation 1459503 (VCV001459503.3).